The following is an entry in ClinVar:

NM_001384140.1(PCDH15):c.2990A>G (p.Glu997Gly)

Gene: PCDH15 (protocadherin related 15; minus strand). Cytogenetic location: 10q21.1.
Variant type: single nucleotide variant.
Coding change: c.2990A>G on transcript NM_001384140.1 (MANE Select); coding-DNA position 2990, A replaced by G.
Protein change: p.Glu997Gly; replaces glutamic acid 997 with glycine.
Molecular consequence: missense variant.
Genome position (GRCh38, 1-based): chr10:53,961,771, T>C on the plus strand (A>G on the coding strand, the complement: PCDH15 is on the minus strand). VCF-style: chr10-53961771-T-C. GRCh37 (hg19) VCF-style: chr10-55721531-T-C.
Other names: c.3005A>G, p.Glu1002Gly (NM_001142763.2, NM_001142771.2); c.2990A>G, p.Glu997Gly (NM_001142764.2, NM_001142766.2, NM_001142770.3 and 4 more transcripts); c.2777A>G, p.Glu926Gly (NM_001142765.2); c.2879A>G, p.Glu960Gly (NM_001142767.2); c.2924A>G, p.Glu975Gly (NM_001142768.2, NM_001142773.2, NM_001354404.2); c.3026A>G, p.Glu1009Gly (NM_001142769.4); c.3011A>G, p.Glu1004Gly (NM_001354411.2); short protein forms E997G, E926G, E960G, E1009G, E975G, E1002G, E1004G.
Identifiers: ClinVar variation 46459 (VCV000046459.29), dbSNP rs139087859, ClinGen allele CA138402.

ClinVar aggregate classification (germline): Conflicting classifications of pathogenicity. Review status: criteria provided, conflicting classifications (1 of 4 stars). 8 submissions from 8 submitters: Uncertain significance (2); Likely benign (6). Last evaluated 2026-01-28.

Conditions:
PCDH15-related disorder. Also called: PCDH15-related disorders; PCDH15-related condition.
Inborn genetic diseases. Identifiers: MedGen C0950123, MeSH D030342.

Allele frequency attached by ClinVar (database versions not stated): gnomAD exomes 0.00028; 1000 Genomes Project 30x 0.00031; ExAC 0.00038; 1000 Genomes Project 0.00040; gnomAD 0.00091 and 0.00100; TOPMed 0.00104; ESP Exome Variant Server 0.00161.
gnomAD v4.1: 307 of 1,607,246 alleles (0.019%); highest among the groups gnomAD compares: African/African-American, 0.36%; 1 homozygote.

Submissions (8):

Labcorp Genetics (formerly Invitae), Labcorp
Classification: Likely benign. Last evaluated: 2026-01-28. Review status: criteria provided, single submitter. Criteria: Invitae Variant Classification Sherloc (09022015). Collection method: clinical testing. Allele origin: germline.

GeneDx
Classification: Uncertain significance. Last evaluated: 2025-08-21. Review status: criteria provided, single submitter. Criteria: GeneDx Variant Classification Process June 2021. Collection method: clinical testing. Allele origin: germline.
Comment: Identified in a patient with hearing loss who was also reported to be compound heterozygous for two variants of uncertain significance in the OTOGL gene in published literature (PMID: 39663698); Identified as a single heterozygous variant in a patient with sensorineural hearing loss in published literature (PMID: 34515852); Identified in a patient belonging to a cohort of patients with inherited retinal dystrophies in published literature (PMID: 27898983) but additional evidence is not available; Identified in a patient with nonsyndromic bilateral profound sensorineural hearing loss and classified as a variant of uncertain significance in published literature (PMID: Albazroun2018[CaseReport]); In silico analysis supports that this missense variant has a deleterious effect on protein structure/function; This variant is associated with the following publications: (PMID: Albazroun2018[CaseReport], 39663698, 34515852, 27898983)

Women's Health and Genetics/Laboratory Corporation of America, LabCorp
Classification: Likely benign. Last evaluated: 2025-01-03. Review status: criteria provided, single submitter. Criteria: LabCorp Variant Classification Summary - May 2015. Collection method: clinical testing. Allele origin: germline.
Comment: Variant summary: PCDH15 c.2990A>G (p.Glu997Gly) results in a non-conservative amino acid change located in the Cadherin-like repeat domain (IPR002126) of the encoded protein sequence. Five of five in-silico tools predict a damaging effect of the variant on protein function. The variant allele was found at a frequency of 0.00019 in 1600300 control chromosomes in the gnomAD database (v4.1 dataset), including 1 homozygote. The variant was observed predominantly within the African or African-American subpopulation at a frequency of 0.0036. The observed variant frequency within African or African-American control individuals in the gnomAD database is approximately 1.14 fold of the estimated maximal expected allele frequency for a pathogenic variant in PCDH15 causing Usher Syndrome Type 1F phenotype (0.0032). To our knowledge, no occurrence of c.2990A>G in individuals affected with Usher Syndrome Type 1F and no experimental evidence demonstrating its impact on protein function have been reported. ClinVar contains an entry for this variant (Variation ID: 46459). Based on the evidence outlined above, the variant was classified as likely benign.

PreventionGenetics, part of Exact Sciences
Classification: Likely benign for PCDH15-related condition. Last evaluated: 2024-10-14. Review status: criteria provided, single submitter. Criteria: ACMG Guidelines, 2015. Collection method: clinical testing. Allele origin: germline.
Comment: This variant is classified as likely benign based on ACMG/AMP sequence variant interpretation guidelines (Richards et al. 2015 PMID: 25741868, with internal and published modifications).

Blueprint Genetics
Classification: Likely benign. Last evaluated: 2024-09-04. Review status: criteria provided, single submitter. Criteria: ACMG Guidelines, 2015. Collection method: clinical testing. Allele origin: germline.

Ambry Genetics
Classification: Uncertain significance for Inborn genetic diseases. Last evaluated: 2022-08-02. Review status: criteria provided, single submitter. Criteria: Ambry Variant Classification Scheme 2023. Collection method: clinical testing. Allele origin: germline.
Comment: The c.2990A>G (p.E997G) alteration is located in exon 22 (coding exon 21) of the PCDH15 gene. This alteration results from an A to G substitution at nucleotide position 2990, causing the glutamic acid (E) at amino acid position 997 to be replaced by a glycine (G). Based on data from gnomAD, the G allele has an overall frequency of 0.03% (98/280668) total alleles studied. The highest observed frequency was 0.37% (92/24916) of African alleles. This amino acid position is highly conserved in available vertebrate species. The in silico prediction for this alteration is inconclusive. Based on insufficient or conflicting evidence, the clinical significance of this alteration remains unclear.

Eurofins Ntd Llc (ga)
Classification: Likely benign. Last evaluated: 2015-12-21. Review status: criteria provided, single submitter. Criteria: EGL Classification Definitions 2015. Collection method: clinical testing. Allele origin: germline. Observed: 1 variant allele, 1 heterozygote.

Laboratory for Molecular Medicine, Mass General Brigham Personalized Medicine
Classification: Likely benign. Last evaluated: 2011-10-20. Review status: criteria provided, single submitter. Criteria: LMM Criteria. Collection method: clinical testing. Allele origin: germline. Observed: 3 variant alleles.
Comment: Glu997Gly in exon 22 of PCDH15: This variant has been reported in dbSNP at a fre quency of 0.2% (9/4538 chromosomes) in a North American population (rs139087859) . In addition, it has now been identified by our laboratory in 2/18 (11%) Black probands; neither of whom had a second PCDH15 variant. In summary, due to the fr equency and its presence without a second PCDH15 variant, this variant is likely benign.